The following is an entry in ClinVar:

NM_002661.5(PLCG2):c.202A>G (p.Met68Val)

Gene: PLCG2 (phospholipase C gamma 2; plus strand). Cytogenetic location: 16q23.3.
Variant type: single nucleotide variant.
Coding change: c.202A>G on transcript NM_002661.5 (MANE Select); coding-DNA position 202, A replaced by G.
Protein change: p.Met68Val; replaces methionine 68 with valine.
Molecular consequence: missense variant.
Genome position (GRCh38, 1-based): chr16:81,854,452, A>G. VCF-style: chr16-81854452-A-G. GRCh37 (hg19) VCF-style: chr16-81888057-A-G.
Other names: c.202A>G, p.Met68Val (NM_001425749.1, NM_001425750.1, NM_001425751.1); short protein forms M68V.
Identifiers: ClinVar variation 3022955 (VCV003022955.4), dbSNP rs184409507, ClinGen allele CA285163618.

ClinVar aggregate classification (germline): Uncertain significance. Review status: criteria provided, multiple submitters, no conflicts (2 of 4 stars). 2 submissions from 2 submitters: Uncertain significance (2). Last evaluated 2025-08-07.

Conditions:
Familial cold autoinflammatory syndrome 3 (FCAS3). Also called: FAMILIAL ATYPICAL COLD URTICARIA; ANTIBODY DEFICIENCY AND IMMUNE DYSREGULATION, PLCG2-ASSOCIATED. Identifiers: Orphanet 300359, MedGen C3280914, MONDO:0013766, OMIM 614468.
Inborn genetic diseases. Identifiers: MedGen C0950123, MeSH D030342.

gnomAD v4.1: 10 of 1,613,402 alleles (0.00062%); highest among the groups gnomAD compares: Non-Finnish European, 0.00059%; no homozygotes.

Submissions (2):

Ambry Genetics
Classification: Uncertain significance for Inborn genetic diseases. Last evaluated: 2025-08-07. Review status: criteria provided, single submitter. Criteria: Ambry Variant Classification Scheme 2023. Collection method: clinical testing. Allele origin: germline.

Labcorp Genetics (formerly Invitae), Labcorp
Classification: Uncertain significance for Familial cold autoinflammatory syndrome 3. Last evaluated: 2023-01-18. Review status: criteria provided, single submitter. Criteria: Invitae Variant Classification Sherloc (09022015). Collection method: clinical testing. Allele origin: germline.
Comment: This sequence change replaces methionine, which is neutral and non-polar, with valine, which is neutral and non-polar, at codon 68 of the PLCG2 protein (p.Met68Val). This variant is present in population databases (no rsID available, gnomAD 0.0009%). This variant has not been reported in the literature in individuals affected with PLCG2-related conditions. Algorithms developed to predict the effect of missense changes on protein structure and function (SIFT, PolyPhen-2, Align-GVGD) all suggest that this variant is likely to be tolerated. In summary, the available evidence is currently insufficient to determine the role of this variant in disease. Therefore, it has been classified as a Variant of Uncertain Significance.